The following is an entry in ClinVar:

ClinVar aggregate classification (germline): Uncertain significance (1 of 4 stars; one submission).

Allele frequency attached by ClinVar (database versions not stated): gnomAD exomes below 0.00001; TOPMed below 0.00001.
gnomAD v4.1: 1 of 1,613,930 alleles (0.000062%); highest among the groups gnomAD compares: East Asian, 0.0022%; no homozygotes.

Submission:

Labcorp Genetics (formerly Invitae), Labcorp
Classification: Uncertain significance. Last evaluated: 2022-07-09. Review status: criteria provided, single submitter. Criteria: Invitae Variant Classification Sherloc (09022015). Collection method: clinical testing. Allele origin: germline.
Comment: In summary, the available evidence is currently insufficient to determine the role of this variant in disease. Therefore, it has been classified as a Variant of Uncertain Significance. Algorithms developed to predict the effect of missense changes on protein structure and function (SIFT, PolyPhen-2, Align-GVGD) all suggest that this variant is likely to be tolerated. This variant has not been reported in the literature in individuals affected with TRIP4-related conditions. This variant is not present in population databases (gnomAD no frequency). This sequence change replaces alanine, which is neutral and non-polar, with valine, which is neutral and non-polar, at codon 570 of the TRIP4 protein (p.Ala570Val).

NM_016213.5(TRIP4):c.1709C>T (p.Ala570Val)

Gene: TRIP4 (thyroid hormone receptor interactor 4; plus strand). Cytogenetic location: 15q22.31.
Variant type: single nucleotide variant.
Coding change: c.1709C>T on transcript NM_016213.5 (MANE Select); coding-DNA position 1709, C replaced by T.
Protein change: p.Ala570Val; replaces alanine 570 with valine.
Molecular consequence: missense variant. On other transcripts: non-coding transcript variant (1).
Genome position (GRCh38, 1-based): chr15:64,455,027, C>T. VCF-style: chr15-64455027-C-T. GRCh37 (hg19) VCF-style: chr15-64747226-C-T.
Other names: c.1019C>T, p.Ala340Val (NM_001321924.2); short protein forms A340V, A570V.
Identifiers: ClinVar variation 2121494 (VCV002121494.2), dbSNP rs1892854424, ClinGen allele CA392825928.